The following is an entry in ClinVar:

NM_001042492.3(NF1):c.4483_4484insC (p.Ser1495fs)

Gene: NF1 (neurofibromin 1; plus strand). Cytogenetic location: 17q11.2.
Variant type: Insertion.
Coding change: c.4483_4484insC on transcript NM_001042492.3 (MANE Select); coding-DNA positions 4483 to 4484, C inserted.
Protein change: p.Ser1495fs; shifts the reading frame from serine 1495.
Molecular consequence: frameshift variant.
Genome position: GRCh38 VCF-style: chr17-31260421-A-AC. GRCh37 (hg19) VCF-style: chr17-29587439-A-AC.
Other names: c.4420_4421insC, p.Ser1474Thrfs (NM_000267.4); short protein forms S1474fs, S1495fs.
Identifiers: ClinVar variation 1740481 (VCV001740481.7), dbSNP rs2508421108, ClinGen allele CA2580093086.

ClinVar aggregate classification (germline): Pathogenic. Review status: criteria provided, multiple submitters, no conflicts (2 of 4 stars). 2 submissions from 2 submitters: Pathogenic (2). Last evaluated 2021-12-23.

Conditions:
Cardiovascular phenotype. Identifiers: MedGen CN230736.
Hereditary cancer-predisposing syndrome. Also called: Neoplastic Syndromes, Hereditary; Tumor predisposition; Hereditary Cancer Syndrome; Hereditary neoplastic syndrome. Identifiers: Orphanet 140162, MedGen C0027672, MeSH D009386, MONDO:0015356.
Neurofibromatosis, type 1 (NF1). Also called: VON RECKLINGHAUSEN DISEASE; NEUROFIBROMATOSIS, TYPE I, SOMATIC; Neurofibromatosis, type I; Peripheral type neurofibromatosis. Identifiers: Orphanet 636, MedGen C0027831, MONDO:0018975, OMIM 162200. Disease mechanism: loss of function.

Submissions (2):

Labcorp Genetics (formerly Invitae), Labcorp
Classification: Pathogenic for Neurofibromatosis, type 1. Last evaluated: 2021-12-23. Review status: criteria provided, single submitter. Criteria: Invitae Variant Classification Sherloc (09022015). Collection method: clinical testing. Allele origin: germline.
Comment: This variant has not been reported in the literature in individuals affected with NF1-related conditions. This variant is not present in population databases (gnomAD no frequency). This sequence change creates a premature translational stop signal (p.Ser1474Thrfs*7) in the NF1 gene. It is expected to result in an absent or disrupted protein product. Loss-of-function variants in NF1 are known to be pathogenic (PMID: 10712197, 23913538). For these reasons, this variant has been classified as Pathogenic.

Ambry Genetics
Classification: Pathogenic for Cardiovascular phenotype; Hereditary cancer-predisposing syndrome. Last evaluated: 2021-09-16. Review status: criteria provided, single submitter. Criteria: Ambry Variant Classification Scheme 2023. Collection method: clinical testing. Allele origin: germline.
Comment: The c.4420_4421insC pathogenic mutation, located in coding exon 33 of the NF1 gene, results from an insertion of one nucleotide at position 4420, causing a translational frameshift with a predicted alternate stop codon (p.S1474Tfs*7). This variant is considered to be rare based on population cohorts in the Genome Aggregation Database (gnomAD). This alteration is expected to result in loss of function by premature protein truncation or nonsense-mediated mRNA decay. As such, this alteration is interpreted as a disease-causing mutation.

Literature cited by the submitters: PubMed 10712197 (cited by Labcorp Genetics (formerly Invitae), Labcorp); PubMed 23913538 (cited by Labcorp Genetics (formerly Invitae), Labcorp).